The following is an entry in ClinVar:

ClinVar aggregate classification (germline): Likely benign (1 of 4 stars; one submission).

Allele frequency attached by ClinVar (database versions not stated): gnomAD exomes below 0.00001; TOPMed below 0.00001.
gnomAD v4.1: 2 of 1,614,220 alleles (0.00012%); highest among the groups gnomAD compares: Non-Finnish European, 0.00017%; no homozygotes.

Submission:

CeGaT Center for Human Genetics Tuebingen
Classification: Likely benign. Last evaluated: 2023-11-01. Review status: criteria provided, single submitter. Criteria: CeGaT Center For Human Genetics Tuebingen Variant Classification Criteria Version 2. Collection method: clinical testing. Allele origin: germline. Affected: yes. Observed: 1 variant allele.
Comment: EP300: BP4, BP7

NM_001429.4(EP300):c.693A>G (p.Gly231=)

Gene: EP300 (EP300 lysine acetyltransferase; plus strand). Cytogenetic location: 22q13.2.
Variant type: single nucleotide variant.
Coding change: c.693A>G on transcript NM_001429.4 (MANE Select); coding-DNA position 693, A replaced by G.
Protein change: p.Gly231=; no amino-acid change (glycine 231 retained).
Molecular consequence: synonymous variant.
Genome position (GRCh38, 1-based): chr22:41,117,785, A>G. VCF-style: chr22-41117785-A-G. GRCh37 (hg19) VCF-style: chr22-41513789-A-G.
Other names: c.693A>G, p.Gly231= (NM_001362843.2).
Identifiers: ClinVar variation 2672912 (VCV002672912.23), dbSNP rs1203928264, ClinGen allele CA514632616.